The following is an entry in ClinVar:

NM_000492.4(CFTR):c.1394C>A (p.Thr465Asn)

Genes: CFTR (CF transmembrane conductance regulator; plus strand), CFTR-AS1 (CFTR antisense RNA 1; minus strand). Cytogenetic location: 7q31.2.
Variant type: single nucleotide variant.
Coding change: c.1394C>A on transcript NM_000492.4 (MANE Select); coding-DNA position 1394, C replaced by A.
Protein change: p.Thr465Asn; replaces threonine 465 with asparagine.
Molecular consequence: missense variant.
Genome position (GRCh38, 1-based): chr7:117,559,465, C>A. VCF-style: chr7-117559465-C-A. GRCh37 (hg19) VCF-style: chr7-117199519-C-A.
Other names: short protein forms T465N.
Identifiers: ClinVar variation 495896 (VCV000495896.24), dbSNP rs758900656, ClinGen allele CA4451001.

ClinVar aggregate classification (germline): Pathogenic/Likely pathogenic. Review status: criteria provided, multiple submitters, no conflicts (2 of 4 stars). 12 submissions from 11 submitters: Pathogenic (3); Likely pathogenic (8). 1 of the submissions does not count toward it. Last evaluated 2025-12-22.

Conditions:
CFTR-related disorder (CFTR-RD). Also called: CFTR-related condition; CFTR-related disorders. Identifiers: MedGen C5924204, MONDO:7770004.
Cystic fibrosis (CF). Also called: MUCOVISCIDOSIS. Identifiers: Orphanet 586, MedGen C0010674, MONDO:0009061, OMIM 219700. Disease mechanism: loss of function.
Congenital bilateral aplasia of vas deferens from CFTR mutation (CBAVD). Identifiers: Orphanet 48, MedGen C0403814, MONDO:0010178, OMIM 277180. Disease mechanism: loss of function.
Bronchiectasis with or without elevated sweat chloride 1 (BESC1). Also called: Cystic Fibrosis-Like Syndrome. Identifiers: Orphanet 60033, MedGen C2749757, MONDO:0008887, OMIM 211400.

Allele frequency attached by ClinVar (database versions not stated): TOPMed below 0.00001; ExAC 0.00001; gnomAD 0.00001; gnomAD exomes below 0.00001.
gnomAD v4.1: 3 of 1,596,306 alleles (0.00019%); highest among the groups gnomAD compares: Non-Finnish European, 0.00017%; no homozygotes.

Submissions (12):

Labcorp Genetics (formerly Invitae), Labcorp
Classification: Pathogenic for Cystic fibrosis. Last evaluated: 2025-12-22. Review status: criteria provided, single submitter. Criteria: Invitae Variant Classification Sherloc (09022015). Collection method: clinical testing. Allele origin: germline.
Comment: This sequence change replaces threonine, which is neutral and polar, with asparagine, which is neutral and polar, at codon 465 of the CFTR protein (p.Thr465Asn). This variant is present in population databases (rs758900656, gnomAD 0.0009%). This missense change has been observed in individual(s) with clinical features of CFTR-related conditions (PMID: 16980811, 25910067, 30811104, 34782259, 35913788, 39272186). In at least one individual the data is consistent with being in trans (on the opposite chromosome) from a pathogenic variant. ClinVar contains an entry for this variant (Variation ID: 495896). An algorithm developed to predict the effect of missense changes on protein structure and function (PolyPhen-2) suggests that this variant is likely to be tolerated. This variant disrupts the p.Thr465 amino acid residue in CFTR. Other variant(s) that disrupt this residue have been observed in individuals with CFTR-related conditions (PMID: 25910067, 28356823, 30811104), which suggests that this may be a clinically significant amino acid residue. For these reasons, this variant has been classified as Pathogenic.

Johns Hopkins Genomics, Johns Hopkins University
Classification: Pathogenic for Cystic fibrosis. Last evaluated: 2025-09-05. Review status: criteria provided, single submitter. Criteria: ACMG Guidelines, 2015. Collection method: clinical testing. Allele origin: germline.
Comment: This CFTR missense variant has been reported in individuals with features of cystic fibrosis. It (rs758900656) is rare (<0.1%) in a large population dataset (gnomADv4.1.0: 3/1596306 total alleles; 0.00018%; no homozygotes) and has been reported in ClinVar (Variation ID: 495896). A single functional study demonstrates that this variant decreases CFTR function (0.86% of wild type) to a level observed for CF-causing variants (<10% wild type function). We consider CFTR c.1394C>A to be pathogenic.

Mayo Clinic Laboratories, Mayo Clinic
Classification: Likely pathogenic. Last evaluated: 2025-05-29. Review status: criteria provided, single submitter. Criteria: ACMG Guidelines, 2015. Collection method: clinical testing. Allele origin: germline. Observed: 1 variant allele.
Comment: PM2_Supporting, PS3, PM3_Supporting

Women's Health and Genetics/Laboratory Corporation of America, LabCorp
Classification: Pathogenic for Cystic fibrosis. Last evaluated: 2025-01-27. Review status: criteria provided, single submitter. Criteria: LabCorp Variant Classification Summary - May 2015. Collection method: clinical testing. Allele origin: germline.
Comment: Variant summary: CFTR c.1394C>A (p.Thr465Asn) results in a non-conservative amino acid change located in the ABC transporter-like domain and ATPase domain (IPR003439) of the encoded protein sequence. Five of five in-silico tools predict a damaging effect of the variant on protein function. The variant allele was found at a frequency of 4e-06 in 251196 control chromosomes (gnomAD). c.1394C>A has been reported in the literature in individuals affected with Cystic Fibrosis (example, Kammesheidt_2006, Lucarelli_2015, Bozdogan_2021, Raraigh_2022) as well as at least one CBAVD patient (example, Yuan_2019). These data indicate that the variant is likely to be associated with disease. At least one publication reports experimental evidence evaluating an impact on protein function. The most pronounced variant effect resulted in approximately (Gt channel conductance) 0.86% of normal chloride channel conductance relative to wild type (e.g., Bihler_2024). The following publications have been ascertained in the context of this evaluation (PMID: 33572515, 35913788, 16980811, 25910067, 22504961, 34782259, 30811104, 38388235). ClinVar contains an entry for this variant (Variation ID: 495896). Based on the evidence outlined above, the variant was classified as pathogenic.

Ambry Genetics
Classification: Likely pathogenic for Cystic fibrosis. Last evaluated: 2025-01-06. Review status: criteria provided, single submitter. Criteria: Ambry Variant Classification Scheme 2023. Collection method: clinical testing. Allele origin: germline.
Comment: The p.T465N variant (also known as c.1394C>A), located in coding exon 11 of the CFTR gene, results from a C to A substitution at nucleotide position 1394. The threonine at codon 465 is replaced by asparagine, an amino acid with similar properties. This variant has been detected in multiple cohorts of patients with cystic fibrosis (CF) (Kammesheidt A et al. Genet Med. 2006 Sep;8:557-62; Iv&aacute;dy G et al. J Med Biochem. 2015 Jan;34:46-51; Lucarelli M et al. Mol Med. 2015 Apr;21:257-75; Raraigh KS et al. J Cyst Fibros. 2022 May;21:463-470). Western blot analysis indicated an absence of mature CFTR protein in untreated organoids, with Elexacaftor/Tezacaftor treatment restoring substantial protein maturation (Kleinfelder K et al. Orphanet J Rare Dis. 2024 Sep;19:343). In an assay testing CFTR function, this variant showed a functionally abnormal result (Bihler H et al. J Cyst Fibros. 2024 Jul;23:664-675). This amino acid position is not well conserved in available vertebrate species. In addition, this alteration is predicted to be deleterious by in silico analysis. In addition to the clinical data presented in the literature, based on the majority of available evidence to date, this variant is likely to be pathogenic.

Natera, Inc.
Classification: Likely pathogenic for CFTR-related disorders. Last evaluated: 2024-11-26. Review status: criteria provided, single submitter. Criteria: Natera Variant Classification Schema (03/2026). Collection method: clinical testing. Allele origin: germline.
Comment: The c.1394C>A variant in CFTR is a missense variant predicted to cause substitution of threonine to asparagine at amino acid 465. This variant is rare in the general population with a frequency below the threshold expected for the associated phenotype(s). This variant has been observed in one or more individuals affected with the associated recessive disease, as either homozygous or compound heterozygous with a second variant (PMID: 25910067, 16980811). This variant has been identified in one or more affected individuals with a phenotype highly consistent with the associated gene (PMID: 25910067). Computational prediction algorithms indicate this variant is likely to affect gene or protein function. Given the available evidence, this variant is classified as Likely Pathogenic.

Quest Diagnostics Nichols Institute San Juan Capistrano
Classification: Likely pathogenic. Last evaluated: 2024-02-02. Review status: criteria provided, single submitter. Criteria: Quest Diagnostics criteria. Collection method: clinical testing. Allele origin: unknown.
Comment: The CFTR c.1394C>A (p.Thr465Asn) variant has been reported in the published literature in individuals affected with cystic fibrosis (PMIDs: 34782259 (2021), 25910067 (2015), 16980811 (2006)) and CFTR-related disease including congenital absence of the vas deferens (PMIDs: 35913788 (2022), 30811104 (2019)). The frequency of this variant in the general population, 0.000004 (1/251196 chromosomes (Genome Aggregation Database)), is uninformative in the assessment of its pathogenicity. Analysis of this variant using bioinformatics tools for the prediction of the effect of amino acid changes on protein structure and function yielded predictions that this variant is damaging. Based on the available information, this variant is classified as likely pathogenic.

Baylor Genetics
Classification: Likely pathogenic for Bronchiectasis with or without elevated sweat chloride 1. Last evaluated: 2023-12-01. Review status: criteria provided, single submitter. Criteria: ACMG Guidelines, 2015. Collection method: clinical testing. Allele origin: unknown.

Clinical Molecular Genetics Laboratory, Johns Hopkins All Children's Hospital
Classification: Likely pathogenic for Cystic fibrosis. Last evaluated: 2019-09-30. Review status: criteria provided, single submitter. Criteria: ACMG Guidelines, 2015. Collection method: clinical testing. Allele origin: germline. Inheritance: Autosomal recessive inheritance. Affected: yes. Observed: 1 compound heterozygote.
Comment: Identified in combination with F508del in two affected siblings

Baylor Genetics
Classification: Likely pathogenic for Congenital bilateral aplasia of vas deferens from CFTR mutation; Cystic fibrosis. Review status: criteria provided, single submitter. Criteria: ACMG Guidelines, 2015. Collection method: clinical testing. Allele origin: germline.

Clinical Genetics Service, Universitary Hospital 12 de Octubre
Classification: Likely pathogenic for Cystic fibrosis. Review status: criteria provided, single submitter. Criteria: ACMG Guidelines, 2015. Collection method: clinical testing. Allele origin: germline. Affected: yes.

Genome-Nilou Lab
Classification: Uncertain significance for Cystic fibrosis. Last evaluated: 2021-07-22. Review status: flagged submission. Criteria: ACMG Guidelines, 2015. Collection method: clinical testing. Allele origin: germline. Affected: no. Not counted in ClinVar's aggregate classification.
ClinVar note: Reason: Outlier claim with insufficient supporting evidence

Literature cited by the submitters: PubMed 16980811 (cited by 5 submitters); PubMed 25910067 (cited by 5 submitters); PubMed 30811104 (cited by 3 submitters); PubMed 34782259 (cited by 5 submitters); PubMed 35913788 (cited by 4 submitters); PubMed 39272186 (cited by 3 submitters); PubMed 28356823 (cited by 3 submitters); PubMed 33572515 (cited by 3 submitters); PubMed 38388235 (cited by 3 submitters); PubMed 22504961 (cited by Women's Health and Genetics/Laboratory Corporation of America, LabCorp); PubMed 34405919 (cited by Quest Diagnostics Nichols Institute San Juan Capistrano); PubMed 32734384 (cited by Quest Diagnostics Nichols Institute San Juan Capistrano); PubMed 15528182 (cited by Quest Diagnostics Nichols Institute San Juan Capistrano).